The following is an entry in ClinVar:

NM_000157.4(GBA1):c.1463T>C (p.Leu488Pro)

Genes: GBA1 (glucosylceramidase beta 1; minus strand), LOC106627981 (GBA recombination region; plus strand). Cytogenetic location: 1q22.
Variant type: single nucleotide variant.
Coding change: c.1463T>C on transcript NM_000157.4 (MANE Select); coding-DNA position 1463, T replaced by C.
Protein change: p.Leu488Pro; replaces leucine 488 with proline.
Molecular consequence: missense variant.
Genome position (GRCh38, 1-based): chr1:155,235,237, A>G on the plus strand (T>C on the coding strand, the complement: GBA1 is on the minus strand). VCF-style: chr1-155235237-A-G. GRCh37 (hg19) VCF-style: chr1-155205028-A-G.
Other names: c.1463T>C, p.Leu488Pro (NM_001005741.3, NM_001005742.3); c.1202T>C, p.Leu401Pro (NM_001171811.2); c.1316T>C, p.Leu439Pro (NM_001171812.2); short protein forms L401P, L439P, L488P.
Identifiers: ClinVar variation 2639397 (VCV002639397.24), dbSNP rs2524816213, ClinGen allele CA342711393.
Genomic context (GRCh38, chr1:155,235,237, plus strand): 5'-CCTCACCATTGCCCTCACCGGTTTAGCACGACCACAACAGCAGAGCCATCGGGATGCATC[A>G]GTGCCACTGCGTCCAGGTCGTTCTTCTGACTGGCAACCAGCCCCACTCTCTGGGAGCCCT-3'
Protein context (NP_000148.2, residues 478-498): SQKNDLDAVA[Leu488Pro]MHPDGSAVVV

ClinVar aggregate classification (germline): Uncertain significance (1 of 4 stars; one submission).

Submission:

CeGaT Center for Human Genetics Tuebingen
Classification: Uncertain significance. Last evaluated: 2023-10-01. Review status: criteria provided, single submitter. Criteria: CeGaT Center For Human Genetics Tuebingen Variant Classification Criteria Version 2. Collection method: clinical testing. Allele origin: germline. Affected: yes. Observed: 1 variant allele.
Comment: GBA1: PM2, PM3:Supporting, PP4